The following is an entry in ClinVar:

ClinVar aggregate classification (germline): Likely benign. Review status: criteria provided, multiple submitters, no conflicts (2 of 4 stars). 4 submissions from 4 submitters: Likely benign (4). Last evaluated 2025-11-01.

Allele frequency attached by ClinVar (database versions not stated): 1000 Genomes Project 30x 0.00219; 1000 Genomes Project 0.00220; ExAC 0.00245; gnomAD exomes 0.00265 and 0.00425; TOPMed 0.00271; gnomAD 0.00290 and 0.00297; ESP Exome Variant Server 0.00362.
gnomAD v4.1: 6,639 of 1,613,882 alleles (0.41%); highest among the groups gnomAD compares: Non-Finnish European, 0.51%; 15 homozygotes.

Submissions (4):

CeGaT Center for Human Genetics Tuebingen
Classification: Likely benign. Last evaluated: 2025-11-01. Review status: criteria provided, single submitter. Criteria: CeGaT Center For Human Genetics Tuebingen Variant Classification Criteria Version 2. Collection method: clinical testing. Allele origin: germline. Affected: yes. Observed: 1 variant allele.
Comment: SFTPA1: BS2

Blueprint Genetics
Classification: Likely benign. Last evaluated: 2024-11-27. Review status: criteria provided, single submitter. Criteria: ACMG Guidelines, 2015. Collection method: clinical testing. Allele origin: germline.

Labcorp Genetics (formerly Invitae), Labcorp
Classification: Likely benign. Last evaluated: 2019-12-31. Review status: criteria provided, single submitter. Criteria: Invitae Variant Classification Sherloc (09022015). Collection method: clinical testing. Allele origin: germline.

Breakthrough Genomics
Classification: Likely benign. Review status: criteria provided, single submitter. Criteria: ACMG Guidelines, 2015. Collection method: not provided. Allele origin: germline. Inheritance: Autosomal dominant inheritance. Affected: yes.

NM_005411.5(SFTPA1):c.185C>T (p.Pro62Leu)

Gene: SFTPA1 (surfactant protein A1; plus strand). Cytogenetic location: 10q22.3.
Variant type: single nucleotide variant.
Coding change: c.185C>T on transcript NM_005411.5 (MANE Select); coding-DNA position 185, C replaced by T.
Protein change: p.Pro62Leu; replaces proline 62 with leucine.
Molecular consequence: missense variant. On other transcripts: intron variant (2).
Genome position (GRCh38, 1-based): chr10:79,612,324, C>T. VCF-style: chr10-79612324-C-T. GRCh37 (hg19) VCF-style: chr10-81372080-C-T.
Other names: c.230C>T, p.Pro77Leu (NM_001093770.3); c.185C>T, p.Pro62Leu (NM_001164644.2, NM_001164647.1); c.86-48C>T (NM_001164646.2); c.131-48C>T (NM_001164645.2); short protein forms P62L, P77L.
Identifiers: ClinVar variation 786416 (VCV000786416.12), dbSNP rs151242911, ClinGen allele CA5574414.
Genomic context (GRCh38, chr10:79,612,324, plus strand): 5'-CAGTTGTGGGTGACAGATCCTACACATCCATGTCTCTTTTCTCTGCAGGCCCCATGGGTC[C>T]ACCTGGAGAAATGCCATGTCCTCCTGGAAATGATGGGCTGCCTGGAGCCCCTGGTATCCC-3'
Protein context (NP_005402.3, residues 52-72): GDPGPPGPMG[Pro62Leu]PGEMPCPPGN